The following is an entry in ClinVar:

ClinVar aggregate classification (germline): Likely benign. Review status: criteria provided, multiple submitters, no conflicts (2 of 4 stars). 2 submissions from 2 submitters: Likely benign (2). Last evaluated 2025-03-04.

Conditions:
Birt-Hogg-Dube syndrome 1 (BHD1). Also called: FIBROFOLLICULOMAS WITH TRICHODISCOMAS AND ACROCHORDONS. Identifiers: Orphanet 122, MedGen CN375946, MONDO:0800445, OMIM 135150.

Allele frequency attached by ClinVar (database versions not stated): TOPMed 0.00002; gnomAD 0.00003; gnomAD exomes 0.00007 and 0.00020; ExAC 0.00039.
gnomAD v4.1: 111 of 1,611,706 alleles (0.0069%); highest among the groups gnomAD compares: Non-Finnish European, 0.0075%; no homozygotes.

Submissions (2):

Center for Genomic Medicine, Rigshospitalet, Copenhagen University Hospital
Classification: Likely benign. Last evaluated: 2025-03-04. Review status: criteria provided, single submitter. Criteria: ACMG Guidelines, 2015. Collection method: clinical testing. Allele origin: germline.

Myriad Genetics, Inc.
Classification: Likely benign for Birt-Hogg-Dube syndrome 1. Last evaluated: 2024-10-22. Review status: criteria provided, single submitter. Criteria: Myriad Autosomal Dominant, Autosomal Recessive and X-Linked Classification Criteria (2023). Collection method: clinical testing. Allele origin: unknown.
Comment: This variant is considered likely benign. This variant has been observed at a population frequency that is significantly greater than expected given the associated disease prevalence and penetrance.

NM_144997.7(FLCN):c.-12C>T

Gene: FLCN (folliculin; minus strand). Cytogenetic location: 17p11.2.
Variant type: single nucleotide variant.
Coding change: c.-12C>T on transcript NM_144997.7 (MANE Select); 12 bases upstream of the start codon, C replaced by T.
Molecular consequence: 5 prime UTR variant.
Genome position (GRCh38, 1-based): chr17:17,228,149, G>A on the plus strand (C>T on the coding strand, the complement: FLCN is on the minus strand). VCF-style: chr17-17228149-G-A. GRCh37 (hg19) VCF-style: chr17-17131463-G-A.
Other names: c.-12C>T (NM_001353229.2, NM_001353230.2, NM_001353231.2 and 1 more transcripts).
Identifiers: ClinVar variation 1697586 (VCV001697586.8), dbSNP rs779391001, ClinGen allele CA8416542.